The following is an entry in ClinVar:

NM_001846.4(COL4A2):c.594C>T (p.Pro198=)

Gene: COL4A2 (collagen type IV alpha 2 chain; plus strand). Cytogenetic location: 13q34.
Variant type: single nucleotide variant.
Coding change: c.594C>T on transcript NM_001846.4 (MANE Select); coding-DNA position 594, C replaced by T.
Protein change: p.Pro198=; no amino-acid change (proline 198 retained).
Molecular consequence: synonymous variant.
Genome position (GRCh38, 1-based): chr13:110,430,553, C>T. VCF-style: chr13-110430553-C-T. GRCh37 (hg19) VCF-style: chr13-111082900-C-T.
Other names: p.Pro198=.
Identifiers: ClinVar variation 311108 (VCV000311108.21), dbSNP rs74124319, ClinGen allele CA7048983.

ClinVar aggregate classification (germline): Benign/Likely benign. Review status: criteria provided, multiple submitters, no conflicts (2 of 4 stars). 8 submissions from 8 submitters: Benign (5); Likely benign (1). 2 of the submissions do not count toward it. Last evaluated 2026-02-03.

Conditions:
Brain small vessel disease 2A, autosomal dominant. Also called: Porencephaly 2. Identifiers: Orphanet 2940, Orphanet 99810, MedGen C3280970, MONDO:0013773, OMIM 614483.
Hemorrhage, intracerebral, susceptibility to (ICH). Also called: Stroke, hemorrhagic, susceptibility to. Identifiers: MedGen C3281105, MONDO:0100533, OMIM 614519.

Allele frequency attached by ClinVar (database versions not stated): 1000 Genomes Project 0.02776; gnomAD 0.02794 and 0.02997; 1000 Genomes Project 30x 0.02904; ESP Exome Variant Server 0.02971; TOPMed 0.03105.
gnomAD v4.1: 8,451 of 1,614,182 alleles (0.52%); highest among the groups gnomAD compares: African/African-American, 9.7%; 388 homozygotes.

Submissions (8):

Labcorp Genetics (formerly Invitae), Labcorp
Classification: Benign. Last evaluated: 2026-02-03. Review status: criteria provided, single submitter. Criteria: Invitae Variant Classification Sherloc (09022015). Collection method: clinical testing. Allele origin: germline.

Mayo Clinic Laboratories, Mayo Clinic
Classification: Benign. Last evaluated: 2022-04-26. Review status: criteria provided, single submitter. Criteria: ACMG Guidelines, 2015. Collection method: clinical testing. Allele origin: germline. Observed: 14 variant alleles.

Fulgent Genetics
Classification: Likely benign for Brain small vessel disease 2A, autosomal dominant; Hemorrhage, intracerebral, susceptibility to. Last evaluated: 2021-09-27. Review status: criteria provided, single submitter. Criteria: ACMG Guidelines, 2015. Collection method: clinical testing. Allele origin: unknown.

GeneDx
Classification: Benign. Last evaluated: 2018-07-09. Review status: criteria provided, single submitter. Criteria: GeneDx Variant Classification Process June 2021. Collection method: clinical testing. Allele origin: germline. Affected: yes.

Illumina Laboratory Services, Illumina
Classification: Benign for Brain small vessel disease 2A, autosomal dominant. Last evaluated: 2018-01-12. Review status: criteria provided, single submitter. Criteria: ICSL Variant Classification Criteria 13 December 2019. Collection method: clinical testing. Allele origin: germline.
Comment: This variant was observed in the ICSL laboratory as part of a predisposition screen in an ostensibly healthy population. It had not been previously curated by ICSL or reported in the Human Gene Mutation Database (HGMD: prior to June 1st, 2018), and was therefore a candidate for classification through an automated scoring system. Utilizing variant allele frequency, disease prevalence and penetrance estimates, and inheritance mode, an automated score was calculated to assess if this variant is too frequent to cause the disease. Based on the score and internal cut-off values, a variant classified as benign is not then subjected to further curation. The score for this variant resulted in a classification of benign for this disease.

Breakthrough Genomics
Classification: Benign. Review status: criteria provided, single submitter. Criteria: ACMG Guidelines, 2015. Collection method: not provided. Allele origin: germline. Inheritance: Autosomal dominant inheritance. Affected: yes.

Clinical Genetics DNA and cytogenetics Diagnostics Lab, Erasmus MC, Erasmus Medical Center
Classification: Benign. Review status: no assertion criteria provided. Collection method: clinical testing. Allele origin: germline. Affected: yes. Study: VKGL Data-share Consensus. Not counted in ClinVar's aggregate classification.

Laboratory of Diagnostic Genome Analysis, Leiden University Medical Center (LUMC)
Classification: Benign. Review status: no assertion criteria provided. Collection method: clinical testing. Allele origin: germline. Affected: yes. Study: VKGL Data-share Consensus. Not counted in ClinVar's aggregate classification.